The following is an entry in ClinVar:

ClinVar aggregate classification (germline): Uncertain significance (1 of 4 stars; one submission).

Submission:

Ambry Genetics
Classification: Uncertain significance. Last evaluated: 2023-04-09. Review status: criteria provided, single submitter. Criteria: Ambry Variant Classification Scheme 2023. Collection method: clinical testing. Allele origin: germline.
Comment: The p.Y290S variant (also known as c.869A>C), located in coding exon 10 of the PRKDC gene, results from an A to C substitution at nucleotide position 869. The tyrosine at codon 290 is replaced by serine, an amino acid with dissimilar properties. This amino acid position is conserved. In addition, the in silico prediction for this alteration is inconclusive. Since supporting evidence is limited at this time, the clinical significance of this alteration remains unclear.

NM_006904.7(PRKDC):c.869A>C (p.Tyr290Ser)

Gene: PRKDC (protein kinase, DNA-activated, catalytic subunit; minus strand). Cytogenetic location: 8q11.21.
Variant type: single nucleotide variant.
Coding change: c.869A>C on transcript NM_006904.7 (MANE Select); coding-DNA position 869, A replaced by C.
Protein change: p.Tyr290Ser; replaces tyrosine 290 with serine.
Molecular consequence: missense variant.
Genome position (GRCh38, 1-based): chr8:47,943,306, T>G on the plus strand (A>C on the coding strand, the complement: PRKDC is on the minus strand). VCF-style: chr8-47943306-T-G. GRCh37 (hg19) VCF-style: chr8-48855866-T-G.
Other names: c.869A>C, p.Tyr290Ser (NM_001081640.2); short protein forms Y290S.
Identifiers: ClinVar variation 2564518 (VCV002564518.2), dbSNP rs2551880625, ClinGen allele CA371136196.
Genomic context (GRCh38, chr8:47,943,306, plus strand): 5'-TTTTTCAATTCTACATTTGTGTGGGCACACCACTTTAACAAGACTTCAAATAGAGACACG[T>G]AGTTGTCCAGAAGGCAGGTGCTAAACTGAGATGCATGCAGGGCAAATAGGCGCAAGCCAG-3'
Protein context (NP_008835.5, residues 280-300): SQFSTCLLDN[Tyr290Ser]VSLFEVLLKW